The following is an entry in ClinVar:

NM_001033855.3(DCLRE1C):c.816T>A (p.Cys272Ter)

Gene: DCLRE1C (DNA cross-link repair 1C; minus strand). Cytogenetic location: 10p13.
Variant type: single nucleotide variant.
Coding change: c.816T>A on transcript NM_001033855.3 (MANE Select); coding-DNA position 816, T replaced by A.
Protein change: p.Cys272Ter; replaces cysteine 272 with a stop codon.
Molecular consequence: nonsense. On other transcripts: non-coding transcript variant (4).
Genome position (GRCh38, 1-based): chr10:14,928,117, A>T on the plus strand (T>A on the coding strand, the complement: DCLRE1C is on the minus strand). VCF-style: chr10-14928117-A-T. GRCh37 (hg19) VCF-style: chr10-14970116-A-T.
Other names: c.456T>A, p.Cys152Ter (NM_001033857.3, NM_001033858.3, NM_001289077.2 and 2 more transcripts); c.471T>A, p.Cys157Ter (NM_001289076.2, NM_001289078.2, NM_022487.4 and 1 more transcripts); c.816T>A, p.Cys272Ter (NM_001350965.2); short protein forms C152*, C157*, C272*.
Identifiers: ClinVar variation 1368634 (VCV001368634.7), dbSNP rs1346260747, ClinGen allele CA376056037.
Genomic context (GRCh38, chr10:14,928,117, plus strand): 5'-CATGGTGGATGGCTTAATGCTGATTATGTGGAGTGGAATTCTATTTCTGGAAGTAATTCC[A>T]CAGGGTAATTTGCTCCACTGAAAATATTCCTCTGCCTAAAAAAGATAAAAAGCATAGAAA-3'

ClinVar aggregate classification (germline): Pathogenic/Likely pathogenic. Review status: criteria provided, multiple submitters, no conflicts (2 of 4 stars). 2 submissions from 2 submitters: Pathogenic (1); Likely pathogenic (1). Last evaluated 2024-01-23.

Conditions:
Severe combined immunodeficiency due to DCLRE1C deficiency (RS-SCID). Also called: SCID, AUTOSOMAL RECESSIVE, T CELL-NEGATIVE, B CELL-NEGATIVE, NK CELL-POSITIVE, WITH SENSITIVITY TO IONIZING RADIATION. Identifiers: Orphanet 275, MedGen C1865371, MONDO:0011225, OMIM 602450.
Histiocytic medullary reticulosis. Also called: SEVERE COMBINED IMMUNODEFICIENCY WITH HYPEREOSINOPHILIA; Omenn syndrome. Identifiers: Orphanet 39041, MedGen C2700553, MONDO:0011338, OMIM 603554.

Allele frequency attached by ClinVar (database versions not stated): gnomAD exomes below 0.00001.
gnomAD v4.1: 1 of 1,613,734 alleles (0.000062%); highest among the groups gnomAD compares: South Asian, 0.0011%; no homozygotes.

Submissions (2):

Baylor Genetics
Classification: Likely pathogenic for Histiocytic medullary reticulosis. Last evaluated: 2024-01-23. Review status: criteria provided, single submitter. Criteria: ACMG Guidelines, 2015. Collection method: clinical testing. Allele origin: unknown.

Labcorp Genetics (formerly Invitae), Labcorp
Classification: Pathogenic for Athabaskan severe combined immunodeficiency. Last evaluated: 2020-12-03. Review status: criteria provided, single submitter. Criteria: Invitae Variant Classification Sherloc (09022015). Collection method: clinical testing. Allele origin: germline.
Comment: This sequence change creates a premature translational stop signal (p.Cys272*) in the DCLRE1C gene. It is expected to result in an absent or disrupted protein product. Loss-of-function variants in DCLRE1C are known to be pathogenic (PMID: 21664875, 26123418). This variant is not present in population databases (ExAC no frequency). This variant has not been reported in the literature in individuals with DCLRE1C-related conditions. For these reasons, this variant has been classified as Pathogenic.

Literature cited by the submitters: PubMed 21664875 (cited by Labcorp Genetics (formerly Invitae), Labcorp); PubMed 26123418 (cited by Labcorp Genetics (formerly Invitae), Labcorp).